The following is an entry in ClinVar:

ClinVar aggregate classification (germline): Conflicting classifications of pathogenicity. Review status: criteria provided, conflicting classifications (1 of 4 stars). 4 submissions from 4 submitters: Uncertain significance (3); Benign (1). Last evaluated 2025-06-20.

Conditions:
Hereditary nonpolyposis colorectal neoplasms. Identifiers: MedGen C0009405, MeSH D003123.
Hereditary cancer-predisposing syndrome. Also called: Neoplastic Syndromes, Hereditary; Tumor predisposition; Hereditary Cancer Syndrome; Hereditary neoplastic syndrome. Identifiers: Orphanet 140162, MedGen C0027672, MeSH D009386, MONDO:0015356.

Allele frequency attached by ClinVar (database versions not stated): gnomAD 0.00001; TOPMed 0.00001.
gnomAD v4.1: 2 of 1,614,064 alleles (0.00012%); highest among the groups gnomAD compares: African/African-American, 0.0027%; no homozygotes.

Submissions (4):

Labcorp Genetics (formerly Invitae), Labcorp
Classification: Benign for Hereditary nonpolyposis colorectal neoplasms. Last evaluated: 2025-06-20. Review status: criteria provided, single submitter. Criteria: Invitae Variant Classification Sherloc (09022015). Collection method: clinical testing. Allele origin: germline.

Ambry Genetics
Classification: Uncertain significance for Hereditary cancer-predisposing syndrome. Last evaluated: 2024-10-08. Review status: criteria provided, single submitter. Criteria: Ambry Variant Classification Scheme 2023. Collection method: clinical testing. Allele origin: germline.
Comment: The p.G259D variant (also known as c.776G>A), located in coding exon 4 of the MSH6 gene, results from a G to A substitution at nucleotide position 776. The glycine at codon 259 is replaced by aspartic acid, an amino acid with similar properties. This amino acid position is not well conserved in available vertebrate species. In addition, this alteration is predicted to be tolerated by in silico analysis. Based on the available evidence, the clinical significance of this variant remains unclear.

Color Diagnostics, LLC DBA Color Health
Classification: Uncertain significance for Hereditary cancer-predisposing syndrome. Last evaluated: 2024-03-07. Review status: criteria provided, single submitter. Criteria: ACMG Guidelines, 2015. Collection method: clinical testing. Allele origin: germline.
Comment: This missense variant replaces glycine with aspartic acid at codon 259 of the MSH6 protein. Computational prediction tool suggests that this variant may not impact protein structure and function (internally defined REVEL score threshold <=0.5, PMID: 27666373). Splice site prediction tools suggest that this variant may not impact RNA splicing. To our knowledge, functional studies have not been performed for this variant. This variant has not been reported in individuals affected with hereditary cancer in the literature. This variant has been identified in 1/31398 chromosomes in the general population by the Genome Aggregation Database (gnomAD). The available evidence is insufficient to determine the role of this variant in disease conclusively. Therefore, this variant is classified as a Variant of Uncertain Significance.

GeneDx
Classification: Uncertain significance. Last evaluated: 2022-05-26. Review status: criteria provided, single submitter. Criteria: GeneDx Variant Classification Process June 2021. Collection method: clinical testing. Allele origin: germline. Affected: yes.
Comment: Not observed at significant frequency in large population cohorts (gnomAD); In silico analysis supports that this missense variant does not alter protein structure/function; Has not been previously published as pathogenic or benign to our knowledge; This variant is associated with the following publications: (PMID: 21437237)

NM_000179.3(MSH6):c.776G>A (p.Gly259Asp)

Gene: MSH6 (mutS homolog 6; plus strand). Cytogenetic location: 2p16.3.
Variant type: single nucleotide variant.
Coding change: c.776G>A on transcript NM_000179.3 (MANE Select); coding-DNA position 776, G replaced by A.
Protein change: p.Gly259Asp; replaces glycine 259 with aspartic acid.
Molecular consequence: missense variant. On other transcripts: 5 prime UTR variant (2).
Genome position (GRCh38, 1-based): chr2:47,798,759, G>A. VCF-style: chr2-47798759-G-A. GRCh37 (hg19) VCF-style: chr2-48025898-G-A.
Other names: c.386G>A, p.Gly129Asp (NM_001281492.2); c.-131G>A (NM_001281493.2, NM_001281494.2); short protein forms G129D, G259D.
Identifiers: ClinVar variation 921823 (VCV000921823.16), dbSNP rs1404814811, ClinGen allele CA346740230.
Genomic context (GRCh38, chr2:47,798,759, plus strand): 5'-GGCGAAGTAGCCGCCAAATAAAAAAACGAAGGGTCATATCAGATTCTGAGAGTGACATTG[G>A]TGGCTCTGATGTGGAATTTAAGCCAGACACTAAGGAGGAAGGAAGCAGTGATGAAATAAG-3'
Protein context (NP_000170.1, residues 249-269): RVISDSESDI[Gly259Asp]GSDVEFKPDT